The following is an entry in ClinVar:

NM_024675.4(PALB2):c.1074C>G (p.Pro358=)

Gene: PALB2 (partner and localizer of BRCA2; minus strand). Cytogenetic location: 16p12.2.
Variant type: single nucleotide variant.
Coding change: c.1074C>G on transcript NM_024675.4 (MANE Select); coding-DNA position 1074, C replaced by G.
Protein change: p.Pro358=; no amino-acid change (proline 358 retained).
Molecular consequence: synonymous variant. On other transcripts: intron variant (3).
Genome position (GRCh38, 1-based): chr16:23,635,472, G>C on the plus strand (C>G on the coding strand, the complement: PALB2 is on the minus strand). VCF-style: chr16-23635472-G-C. GRCh37 (hg19) VCF-style: chr16-23646793-G-C.
Other names: c.1014C>G, p.Pro338= (NM_001407296.1); c.1074C>G, p.Pro358= (NM_001407297.1, NM_001407298.1, NM_001407299.1 and 3 more transcripts); c.189C>G, p.Pro63= (NM_001407304.1, NM_001407305.1, NM_001407306.1 and 5 more transcripts); c.48+5638C>G (NM_001407314.1); c.-104-5003C>G (NM_001407313.1, NM_001407312.1).
Identifiers: ClinVar variation 3227979 (VCV003227979.2), dbSNP rs1966995930, ClinGen allele CA494461580.

ClinVar aggregate classification (germline): Benign/Likely benign. Review status: criteria provided, multiple submitters, no conflicts (2 of 4 stars). 2 submissions from 2 submitters: Benign (1); Likely benign (1). Last evaluated 2025-01-13.

Conditions:
Hereditary cancer-predisposing syndrome. Also called: Neoplastic Syndromes, Hereditary; Tumor predisposition; Hereditary neoplastic syndrome; Hereditary Cancer Syndrome. Identifiers: Orphanet 140162, MedGen C0027672, MeSH D009386, MONDO:0015356.
Familial cancer of breast. Also called: BREAST CANCER, FAMILIAL; Hereditary breast cancer; hereditary breast carcinoma. Identifiers: Orphanet 227535, MedGen C0346153, MONDO:0016419, OMIM 114480. Disease mechanism: loss of function.

gnomAD v4.1: 4 of 1,614,074 alleles (0.00025%); highest among the groups gnomAD compares: Non-Finnish European, 0.00034%; no homozygotes.

Submissions (2):

Myriad Genetics, Inc.
Classification: Benign for Familial cancer of breast. Last evaluated: 2025-01-13. Review status: criteria provided, single submitter. Criteria: Myriad Autosomal Dominant, Autosomal Recessive and X-Linked Classification Criteria (2023). Collection method: clinical testing. Allele origin: unknown.
Comment: This variant is considered benign. This variant is a silent/synonymous amino acid change and it is not expected to impact splicing.

Ambry Genetics
Classification: Likely benign for Hereditary cancer-predisposing syndrome. Last evaluated: 2023-11-15. Review status: criteria provided, single submitter. Criteria: Ambry Variant Classification Scheme 2023. Collection method: clinical testing. Allele origin: germline.